The following is an entry in ClinVar:

NM_001128840.3(CACNA1D):c.5408+4del

Gene: CACNA1D (calcium voltage-gated channel subunit alpha1 D; plus strand). Cytogenetic location: 3p21.1.
Variant type: Deletion.
Coding change: c.5408+4del on transcript NM_001128840.3 (MANE Select); 4 bases into the intron after coding-DNA position 5408, one base deleted (A; older notation c.5408+4delA).
Molecular consequence: intron variant.
Genome position (GRCh38, 1-based): chr3:53,801,429, A deleted; the last of 2 consecutive A bases (chr3:53,801,428-53,801,429); deleting either gives the same sequence. VCF-style (leftmost placement, unchanged base first): chr3-53801427-TA-T. GRCh37 (hg19) VCF-style: chr3-53835454-TA-T.
Other names: c.5363+4del (NM_001128839.3); c.5468+4del (NM_000720.4).
Identifiers: ClinVar variation 517445 (VCV000517445.4), dbSNP rs1553687972, ClinGen allele CA658796338.

ClinVar aggregate classification (germline): Uncertain significance (1 of 4 stars; one submission).

Submission:

Laboratory for Molecular Medicine, Mass General Brigham Personalized Medicine
Classification: Uncertain significance. Last evaluated: 2017-07-05. Review status: criteria provided, single submitter. Criteria: LMM Criteria. Collection method: clinical testing. Allele origin: germline. Observed: 1 variant allele.
Comment: The c.5468+4delA variant in CACNA1D has not been previously reported in individu als with hearing loss or in large population studies. This variant is located in the 5' splice region. Computational tools do not suggest an impact to splicing. However, this information is not predictive enough to rule out pathogenicity. I n summary, the clinical significance of the c.5468+4delA variant is uncertain.